The following is an entry in ClinVar:

NM_004525.3(LRP2):c.4742G>A (p.Arg1581Gln)

Gene: LRP2 (LDL receptor related protein 2; minus strand). Cytogenetic location: 2q31.1.
Variant type: single nucleotide variant.
Coding change: c.4742G>A on transcript NM_004525.3 (MANE Select); coding-DNA position 4742, G replaced by A.
Protein change: p.Arg1581Gln; replaces arginine 1581 with glutamine.
Molecular consequence: missense variant.
Genome position (GRCh38, 1-based): chr2:169,236,018, C>T on the plus strand (G>A on the coding strand, the complement: LRP2 is on the minus strand). VCF-style: chr2-169236018-C-T. GRCh37 (hg19) VCF-style: chr2-170092528-C-T.
Other names: short protein forms R1581Q.
Identifiers: ClinVar variation 1467332 (VCV001467332.4), dbSNP rs763963014, ClinGen allele CA1954715.
Genomic context (GRCh38, chr2:169,236,018, plus strand): 5'-CAGGGCCAGAAGATCTTGTCCTGGACAATGACAGTGCGCATGCTGCCGTCCATGCTGGCT[C>T]GCTCGATGCGAGGGTGGTGGCCCCAGTCAGACCAGAACAGTAGATGCTCACTGGGAAAGG-3'
Protein context (NP_004516.2, residues 1571-1591): SDWGHHPRIE[Arg1581Gln]ASMDGSMRTV

ClinVar aggregate classification (germline): Uncertain significance. Review status: criteria provided, multiple submitters, no conflicts (2 of 4 stars). 2 submissions from 2 submitters: Uncertain significance (2). Last evaluated 2024-02-06.

Conditions:
Donnai-Barrow syndrome. Also called: DBS/FOAR SYNDROME; FACIOOCULOACOUSTICORENAL SYNDROME. Identifiers: Orphanet 2143, MedGen C1857277, MONDO:0009104, OMIM 222448.

Allele frequency attached by ClinVar (database versions not stated): gnomAD exomes below 0.00001 and 0.00001; gnomAD 0.00001; TOPMed 0.00001; ExAC 0.00002.
gnomAD v4.1: 9 of 1,614,024 alleles (0.00056%); highest among the groups gnomAD compares: Admixed American, 0.0017%; no homozygotes.

Submissions (2):

Fulgent Genetics
Classification: Uncertain significance for Donnai-Barrow syndrome. Last evaluated: 2024-02-06. Review status: criteria provided, single submitter. Criteria: ACMG Guidelines, 2015. Collection method: clinical testing. Allele origin: germline.

Labcorp Genetics (formerly Invitae), Labcorp
Classification: Uncertain significance. Last evaluated: 2021-09-05. Review status: criteria provided, single submitter. Criteria: Invitae Variant Classification Sherloc (09022015). Collection method: clinical testing. Allele origin: germline.
Comment: This sequence change replaces arginine with glutamine at codon 1581 of the LRP2 protein (p.Arg1581Gln). The arginine residue is highly conserved and there is a small physicochemical difference between arginine and glutamine. This variant is present in population databases (rs763963014, ExAC 0.02%). This variant has not been reported in the literature in individuals affected with LRP2-related conditions. Advanced modeling of protein sequence and biophysical properties (such as structural, functional, and spatial information, amino acid conservation, physicochemical variation, residue mobility, and thermodynamic stability) performed at Invitae indicates that this missense variant is expected to disrupt LRP2 protein function. In summary, the available evidence is currently insufficient to determine the role of this variant in disease. Therefore, it has been classified as a Variant of Uncertain Significance.